The following is an entry in ClinVar:

ClinVar aggregate classification (germline): Uncertain significance. Review status: criteria provided, multiple submitters, no conflicts (2 of 4 stars). 2 submissions from 2 submitters: Uncertain significance (2). Last evaluated 2024-03-27.

Conditions:
Developmental and epileptic encephalopathy, 23 (DEE23). Also called: Epileptic encephalopathy, early infantile, 23. Identifiers: Orphanet 411986, MedGen C4014492, MONDO:0014371, OMIM 615859.

gnomAD v4.1: 1 of 1,613,500 alleles (0.000062%); highest among the groups gnomAD compares: Non-Finnish European, 0.000085%; no homozygotes.

Submissions (2):

GeneDx
Classification: Uncertain significance. Last evaluated: 2024-03-27. Review status: criteria provided, single submitter. Criteria: GeneDx Variant Classification Process June 2021. Collection method: clinical testing. Allele origin: germline. Affected: yes.
Comment: Not observed at significant frequency in large population cohorts (gnomAD); In silico analysis supports that this missense variant has a deleterious effect on protein structure/function; Has not been previously published as pathogenic or benign to our knowledge

Labcorp Genetics (formerly Invitae), Labcorp
Classification: Uncertain significance for Developmental and epileptic encephalopathy, 23. Last evaluated: 2021-11-13. Review status: criteria provided, single submitter. Criteria: Invitae Variant Classification Sherloc (09022015). Collection method: clinical testing. Allele origin: germline.
Comment: Algorithms developed to predict the effect of missense changes on protein structure and function (SIFT, PolyPhen-2, Align-GVGD) all suggest that this variant is likely to be tolerated. This variant has not been reported in the literature in individuals affected with DOCK7-related conditions. This variant is not present in population databases (gnomAD no frequency). This sequence change replaces serine, which is neutral and polar, with leucine, which is neutral and non-polar, at codon 101 of the DOCK7 protein (p.Ser101Leu). In summary, the available evidence is currently insufficient to determine the role of this variant in disease. Therefore, it has been classified as a Variant of Uncertain Significance.

NM_001367561.1(DOCK7):c.302C>T (p.Ser101Leu)

Gene: DOCK7 (dedicator of cytokinesis 7; minus strand). Cytogenetic location: 1p31.3.
Variant type: single nucleotide variant.
Coding change: c.302C>T on transcript NM_001367561.1 (MANE Select); coding-DNA position 302, C replaced by T.
Protein change: p.Ser101Leu; replaces serine 101 with leucine.
Molecular consequence: missense variant.
Genome position (GRCh38, 1-based): chr1:62,654,002, G>A on the plus strand (C>T on the coding strand, the complement: DOCK7 is on the minus strand). VCF-style: chr1-62654002-G-A. GRCh37 (hg19) VCF-style: chr1-63119673-G-A.
Other names: c.302C>T, p.Ser101Leu (NM_001271999.2, NM_001272000.2, NM_001272001.2 and 3 more transcripts); c.302C>T (NM_001271999.1); short protein forms S101L.
Identifiers: ClinVar variation 1505365 (VCV001505365.7), dbSNP rs2149694292, ClinGen allele CA340704145.